The following is an entry in ClinVar:

NM_002397.5(MEF2C):c.79G>A (p.Gly27Arg)

Gene: MEF2C (myocyte enhancer factor 2C; minus strand). Cytogenetic location: 5q14.3.
Variant type: single nucleotide variant.
Coding change: c.79G>A on transcript NM_002397.5 (MANE Select); coding-DNA position 79, G replaced by A.
Protein change: p.Gly27Arg; replaces glycine 27 with arginine.
Molecular consequence: missense variant.
Genome position (GRCh38, 1-based): chr5:88,804,777, C>T on the plus strand (G>A on the coding strand, the complement: MEF2C is on the minus strand). VCF-style: chr5-88804777-C-T. GRCh37 (hg19) VCF-style: chr5-88100594-C-T.
Other names: c.79G>A, p.Gly27Arg (NM_001131005.2, NM_001193347.1, NM_001193348.1 and 29 more transcripts); c.79G>A (NM_002397.3); short protein forms G27R.
Identifiers: ClinVar variation 2169514 (VCV002169514.5), dbSNP rs2531289348, ClinGen allele CA360425173.

ClinVar aggregate classification (germline): Pathogenic. Review status: criteria provided, multiple submitters, no conflicts (2 of 4 stars). 2 submissions from 2 submitters: Pathogenic (2). Last evaluated 2025-11-10.

Conditions:
Neurodevelopmental disorder with hypotonia, stereotypic hand movements, and impaired language. Also called: Intellectual disability, autosomal dominant 20. Identifiers: Orphanet 228384, Orphanet 664410, MedGen C3150700, MONDO:0013266, OMIM 613443.

Submissions (2):

Labcorp Genetics (formerly Invitae), Labcorp
Classification: Pathogenic for Neurodevelopmental disorder with hypotonia, stereotypic hand movements, and impaired language. Last evaluated: 2025-11-10. Review status: criteria provided, single submitter. Criteria: Invitae Variant Classification Sherloc (09022015). Collection method: clinical testing. Allele origin: germline.
Comment: This sequence change replaces glycine, which is neutral and non-polar, with arginine, which is basic and polar, at codon 27 of the MEF2C protein (p.Gly27Arg). This variant is not present in population databases (gnomAD no frequency). This missense change has been observed in individual(s) with MEF2C-related conditions (PMID: 29863696). In at least one individual the variant was observed to be de novo. ClinVar contains an entry for this variant (Variation ID: 2169514). Invitae Evidence Modeling of protein sequence and biophysical properties (such as structural, functional, and spatial information, amino acid conservation, physicochemical variation, residue mobility, and thermodynamic stability) indicates that this missense variant is expected to disrupt MEF2C protein function with a positive predictive value of 80%. This variant disrupts the p.Gly27 amino acid residue in MEF2C. Other variant(s) that disrupt this residue have been determined to be pathogenic (PMID: 20513142). This suggests that this residue is clinically significant, and that variants that disrupt this residue are likely to be disease-causing. For these reasons, this variant has been classified as Pathogenic.

GeneDx
Classification: Pathogenic. Last evaluated: 2024-08-01. Review status: criteria provided, single submitter. Criteria: GeneDx Variant Classification Process June 2021. Collection method: clinical testing. Allele origin: germline. Affected: yes.
Comment: Not observed at significant frequency in large population cohorts (gnomAD); In silico analysis supports that this missense variant has a deleterious effect on protein structure/function; This variant is associated with the following publications: (PMID: 29863696)

Literature cited by the submitters: PubMed 29863696 (cited by Labcorp Genetics (formerly Invitae), Labcorp); PubMed 20513142 (cited by Labcorp Genetics (formerly Invitae), Labcorp).